The following is an entry in ClinVar:

ClinVar aggregate classification (germline): Likely benign (1 of 4 stars; one submission).

Allele frequency attached by ClinVar (database versions not stated): gnomAD 0.00001; TOPMed 0.00001; ExAC 0.00002.
gnomAD v4.1: 10 of 1,613,802 alleles (0.00062%); highest among the groups gnomAD compares: South Asian, 0.0066%; no homozygotes.

Submission:

CeGaT Center for Human Genetics Tuebingen
Classification: Likely benign. Last evaluated: 2023-04-01. Review status: criteria provided, single submitter. Criteria: CeGaT Center For Human Genetics Tuebingen Variant Classification Criteria Version 2. Collection method: clinical testing. Allele origin: germline. Affected: yes. Observed: 1 variant allele.
Comment: P2RY11: BP4, BP7

NM_002566.5(P2RY11):c.180A>G (p.Pro60=)

Genes: P2RY11 (purinergic receptor P2Y11; plus strand), PPAN-P2RY11 (PPAN-P2RY11 readthrough; plus strand), LOC113939967 (Sharpr-MPRA regulatory region 3609; plus strand). Cytogenetic location: 19p13.2.
Variant type: single nucleotide variant.
Coding change: c.180A>G on transcript NM_002566.5 (MANE Select); coding-DNA position 180, A replaced by G.
Protein change: p.Pro60=; no amino-acid change (proline 60 retained).
Molecular consequence: synonymous variant. On other transcripts: missense variant (1).
Genome position (GRCh38, 1-based): chr19:10,113,793, A>G. VCF-style: chr19-10113793-A-G. GRCh37 (hg19) VCF-style: chr19-10224469-A-G.
Other names: c.1440A>G, p.Pro480= (NM_001040664.3); c.1502A>G, p.His501Arg (NM_001198690.2); short protein forms H501R.
Identifiers: ClinVar variation 2649284 (VCV002649284.24), dbSNP rs748234227, ClinGen allele CA9186312.